The following is an entry in ClinVar:

ClinVar aggregate classification (germline): Uncertain significance. Review status: criteria provided, multiple submitters, no conflicts (2 of 4 stars). 2 submissions from 2 submitters: Uncertain significance (2). Last evaluated 2022-08-07.

Conditions:
Cardiovascular phenotype. Identifiers: MedGen CN230736.
Walker-Warburg congenital muscular dystrophy. Also called: Muscular dystrophy-dystroglycanopathy, type A; Walker-Warburg syndrome. Identifiers: Orphanet 899, MedGen C0265221, MONDO:0000171.

Allele frequency attached by ClinVar (database versions not stated): gnomAD exomes below 0.00001.

Submissions (2):

Labcorp Genetics (formerly Invitae), Labcorp
Classification: Uncertain significance for Walker-Warburg congenital muscular dystrophy. Last evaluated: 2022-08-07. Review status: criteria provided, single submitter. Criteria: Invitae Variant Classification Sherloc (09022015). Collection method: clinical testing. Allele origin: germline.
Comment: This sequence change replaces glutamic acid, which is acidic and polar, with alanine, which is neutral and non-polar, at codon 260 of the FKRP protein (p.Glu260Ala). This variant is not present in population databases (gnomAD no frequency). This variant has not been reported in the literature in individuals affected with FKRP-related conditions. ClinVar contains an entry for this variant (Variation ID: 1447729). Algorithms developed to predict the effect of missense changes on protein structure and function (SIFT, PolyPhen-2, Align-GVGD) all suggest that this variant is likely to be tolerated. In summary, the available evidence is currently insufficient to determine the role of this variant in disease. Therefore, it has been classified as a Variant of Uncertain Significance.

Ambry Genetics
Classification: Uncertain significance for Cardiovascular phenotype. Last evaluated: 2022-03-21. Review status: criteria provided, single submitter. Criteria: Ambry Variant Classification Scheme 2023. Collection method: clinical testing. Allele origin: germline.
Comment: The p.E260A variant (also known as c.779A>C), located in coding exon 1 of the FKRP gene, results from an A to C substitution at nucleotide position 779. The glutamic acid at codon 260 is replaced by alanine, an amino acid with dissimilar properties. This amino acid position is conserved. In addition, the in silico prediction for this alteration is inconclusive. Since supporting evidence is limited at this time, the clinical significance of this alteration remains unclear.

NM_024301.5(FKRP):c.779A>C (p.Glu260Ala)

Gene: FKRP (fukutin related protein; plus strand). Cytogenetic location: 19q13.32.
Variant type: single nucleotide variant.
Coding change: c.779A>C on transcript NM_024301.5 (MANE Select); coding-DNA position 779, A replaced by C.
Protein change: p.Glu260Ala; replaces glutamic acid 260 with alanine.
Molecular consequence: missense variant.
Genome position (GRCh38, 1-based): chr19:46,756,229, A>C. VCF-style: chr19-46756229-A-C. GRCh37 (hg19) VCF-style: chr19-47259486-A-C.
Other names: c.779A>C, p.Glu260Ala (NM_001039885.3); short protein forms E260A.
Identifiers: ClinVar variation 1447729 (VCV001447729.8), dbSNP rs1394263062, ClinGen allele CA406495999.
Genomic context (GRCh38, chr19:46,756,229, plus strand): 5'-TCGCCGCGGCGCGCCAGCCCCCGCTGGCCACGGCCCACGCGCGCTGGAAGGCTGAGCGCG[A>C]GGGACGCGCTCGGCGGGCGGCGCTGCTCCGCGCGCTGGGCATCCGCCTAGTGAGCTGGGA-3'
Protein context (NP_077277.1, residues 250-270): TAHARWKAER[Glu260Ala]GRARRAALLR